The following is an entry in ClinVar:

ClinVar aggregate classification (germline): Uncertain significance (1 of 4 stars; one submission).

Conditions:
Nephronophthisis. Also called: Juvenile Nephronophthisis. Identifiers: Orphanet 655, MedGen C0687120, MONDO:0019005, HP:0000090.

Allele frequency attached by ClinVar (database versions not stated): gnomAD exomes below 0.00001; TOPMed 0.00001.
gnomAD v4.1: 1 of 1,613,100 alleles (0.000062%); highest among the groups gnomAD compares: African/African-American, 0.0013%; no homozygotes.

Submission:

Labcorp Genetics (formerly Invitae), Labcorp
Classification: Uncertain significance for Nephronophthisis. Last evaluated: 2022-10-25. Review status: criteria provided, single submitter. Criteria: Invitae Variant Classification Sherloc (09022015). Collection method: clinical testing. Allele origin: germline.
Comment: Algorithms developed to predict the effect of missense changes on protein structure and function (SIFT, PolyPhen-2, Align-GVGD) all suggest that this variant is likely to be tolerated. ClinVar contains an entry for this variant (Variation ID: 1398336). This variant has not been reported in the literature in individuals affected with INVS-related conditions. This variant is not present in population databases (gnomAD no frequency). This sequence change replaces glutamine, which is neutral and polar, with arginine, which is basic and polar, at codon 31 of the INVS protein (p.Gln31Arg). In summary, the available evidence is currently insufficient to determine the role of this variant in disease. Therefore, it has been classified as a Variant of Uncertain Significance.

NM_014425.5(INVS):c.92A>G (p.Gln31Arg)

Gene: INVS (inversin; plus strand). Cytogenetic location: 9q31.1.
Variant type: single nucleotide variant.
Coding change: c.92A>G on transcript NM_014425.5 (MANE Select); coding-DNA position 92, A replaced by G.
Protein change: p.Gln31Arg; replaces glutamine 31 with arginine.
Molecular consequence: missense variant. On other transcripts: 5 prime UTR variant (2), non-coding transcript variant (1).
Genome position (GRCh38, 1-based): chr9:100,104,613, A>G. VCF-style: chr9-100104613-A-G. GRCh37 (hg19) VCF-style: chr9-102866895-A-G.
Other names: c.-285A>G (NM_001318381.2); c.-898A>G (NM_001318382.2); short protein forms Q31R.
Identifiers: ClinVar variation 1398336 (VCV001398336.6), dbSNP rs1003287751, ClinGen allele CA197172407.